The following is an entry in ClinVar:

NM_001384900.1(SEMA3D):c.114G>A (p.Leu38=)

Gene: SEMA3D (semaphorin 3D; minus strand). Cytogenetic location: 7q21.11.
Variant type: single nucleotide variant.
Coding change: c.114G>A on transcript NM_001384900.1 (MANE Select); coding-DNA position 114, G replaced by A.
Protein change: p.Leu38=; no amino-acid change (leucine 38 retained).
Molecular consequence: synonymous variant.
Genome position (GRCh38, 1-based): chr7:85,121,778, C>T on the plus strand (G>A on the coding strand, the complement: SEMA3D is on the minus strand). VCF-style: chr7-85121778-C-T. GRCh37 (hg19) VCF-style: chr7-84751094-C-T.
Other names: c.114G>A, p.Leu38= (NM_001384901.1, NM_001384902.1, NM_001384903.1 and 1 more transcripts).
Identifiers: ClinVar variation 4989504 (VCV004989504.1).
Genomic context (GRCh38, chr7:85,121,778, plus strand): 5'-TTAGAAAATATGTATATATTTACCTTTGTAGGTTAGCTTGAGTCTTGGAATATTTTGCTT[C>T]AAAGTGCCAGTGACTGGAAGAAACAACATGGTCATGCTTAGCATCATCAAAGCAGGAAAA-3'
Protein context (NP_001371829.1, residues 28-48): TMLFLPVTGT[Leu38=]KQNIPRLKLT

ClinVar aggregate classification (germline): Likely benign (1 of 4 stars; one submission).

Conditions:
SEMA3D-related disorder. Also called: SEMA3D-related condition.

gnomAD v4.1: 6 of 1,604,996 alleles (0.00037%); highest among the groups gnomAD compares: Admixed American, 0.0034%; no homozygotes.

Submission:

PreventionGenetics, part of Exact Sciences
Classification: Likely benign for SEMA3D-related condition. Last evaluated: 2025-11-17. Review status: criteria provided, single submitter. Criteria: ACMG Guidelines, 2015. Collection method: clinical testing. Allele origin: germline.
Comment: This variant is classified as likely benign based on ACMG/AMP sequence variant interpretation guidelines (Richards et al. 2015 PMID: 25741868, with internal and published modifications).